The following is an entry in ClinVar:

NM_015338.6(ASXL1):c.3677_3678del (p.Leu1226fs)

Gene: ASXL1 (ASXL transcriptional regulator 1; plus strand). Cytogenetic location: 20q11.21.
Variant type: Deletion.
Coding change: c.3677_3678del on transcript NM_015338.6 (MANE Select); coding-DNA positions 3677 to 3678, 2 bases deleted (TG; older notation c.3677_3678delTG).
Protein change: p.Leu1226fs; shifts the reading frame from leucine 1226.
Molecular consequence: frameshift variant.
Genome position (GRCh38, 1-based): chr20:32,436,389-32,436,390, TG deleted. VCF-style (leftmost placement, unchanged base first): chr20-32436388-CTG-C. GRCh37 (hg19) VCF-style: chr20-31024191-CTG-C.
Other names: c.3494_3495del, p.Leu1165fs (NM_001363734.1); short protein forms L1165fs, L1226fs.
Identifiers: ClinVar variation 1705710 (VCV001705710.1), dbSNP rs2515583794, ClinGen allele CA2580098169.

ClinVar aggregate classification (germline): Likely pathogenic (1 of 4 stars; one submission).

Conditions:
Bohring-Opitz syndrome. Also called: C-LIKE SYNDROME; BOHRING SYNDROME; OPITZ TRIGONOCEPHALY-LIKE SYNDROME; ASXL1-Related Bohring-Opitz Syndrome. Identifiers: Orphanet 97297, MedGen C0796232, MONDO:0011510, OMIM 605039.

Submission:

3billion
Classification: Likely pathogenic for Bohring-Opitz syndrome. Last evaluated: 2022-09-01. Review status: criteria provided, single submitter. Criteria: ACMG Guidelines, 2015. Collection method: clinical testing. Allele origin: germline. Affected: yes. Observed: 1 heterozygote.
Comment: The variant is not observed in the gnomAD v2.1.1 dataset. It is predicted to result in a loss or disruption of normal protein function through protein truncation. The predicted truncated protein may be shortened by more than 10%. Multiple pathogenic variants are reported downstream of the variant. Therefore, this variant is classified as Likely pathogenic according to the recommendation of ACMG/AMP guideline.